The following is an entry in ClinVar:

NM_004415.4(DSP):c.6442G>C (p.Ala2148Pro)

Gene: DSP (desmoplakin; plus strand). Cytogenetic location: 6p24.3.
Variant type: single nucleotide variant.
Coding change: c.6442G>C on transcript NM_004415.4 (MANE Select); coding-DNA position 6442, G replaced by C.
Protein change: p.Ala2148Pro; replaces alanine 2148 with proline.
Molecular consequence: missense variant.
Genome position (GRCh38, 1-based): chr6:7,583,704, G>C. VCF-style: chr6-7583704-G-C. GRCh37 (hg19) VCF-style: chr6-7583937-G-C.
Other names: c.4645G>C, p.Ala1549Pro (NM_001008844.3); c.5113G>C, p.Ala1705Pro (NM_001319034.2); short protein forms A1549P, A1705P, A2148P.
Identifiers: ClinVar variation 3072929 (VCV003072929.1), dbSNP rs144539278, ClinGen allele CA362690804.
Genomic context (GRCh38, chr6:7,583,704, plus strand): 5'-CAGATTGCTTCAGGGGGTGTAGTAGACCCTGTGAACAGTGTCTTTTTGCCAAAAGATGTC[G>C]CCTTGGCCCGGGGGCTGATTGATAGAGATTTGTATCGATCCCTGAATGATCCCCGAGATA-3'
Protein context (NP_004406.2, residues 2138-2158): VNSVFLPKDV[Ala2148Pro]LARGLIDRDL

ClinVar aggregate classification (germline): Uncertain significance (1 of 4 stars; one submission).

Conditions:
Arrhythmogenic cardiomyopathy with wooly hair and keratoderma. Also called: PALMOPLANTAR KERATODERMA WITH LEFT VENTRICULAR CARDIOMYOPATHY AND WOOLLY HAIR; Carvajal syndrome; Dilated cardiomyopathy with woolly hair and keratoderma; Arrhythmogenic cardiomyopathy with woolly hair and keratoderma. Identifiers: Orphanet 65282, MedGen C1854063, MONDO:0011581, OMIM 605676.

Submission:

All of Us Research Program, National Institutes of Health
Classification: Uncertain significance for Arrhythmogenic cardiomyopathy with wooly hair and keratoderma. Last evaluated: 2023-08-15. Review status: criteria provided, single submitter. Criteria: ACMG Guidelines, 2015. Collection method: clinical testing. Allele origin: germline. Inheritance: Autosomal dominant inheritance. Observed: 1 variant allele, 1 heterozygote.
Comment: This missense variant replaces alanine with proline at codon 2148 of the DSP protein. Computational prediction suggests that this variant may have deleterious impact on protein structure and function (internally defined REVEL score threshold >= 0.7, PMID: 27666373). To our knowledge, functional studies have not been reported for this variant. This variant has not been reported in individuals affected with DSP-related disorders in the literature. This variant has not been identified in the general population by the Genome Aggregation Database (gnomAD). The available evidence is insufficient to determine the role of this variant in disease conclusively. Therefore, this variant is classified as a Variant of Uncertain Significance.

This study involves interpretation of variants in research participants for the purpose of population health screening. Participant phenotype was not available at the time of variant classification. Additional details can be found in publication PMID: 35346344, PMCID: PMC8962531